The following is an entry in ClinVar:

ClinVar aggregate classification (germline): Uncertain significance. Review status: criteria provided, multiple submitters, no conflicts (2 of 4 stars). 6 submissions from 6 submitters: Uncertain significance (6). Last evaluated 2026-08-17.

Conditions:
Hereditary cancer-predisposing syndrome. Also called: Tumor predisposition; Hereditary neoplastic syndrome; Hereditary Cancer Syndrome; Neoplastic Syndromes, Hereditary. Identifiers: Orphanet 140162, MedGen C0027672, MeSH D009386, MONDO:0015356.
Patterned macular dystrophy 2. Identifiers: Orphanet 99001, MedGen C1837029, MONDO:0012162, OMIM 608970.
CTNNA1-related disorder. Also called: CTNNA1-related condition.

Allele frequency attached by ClinVar (database versions not stated): ExAC 0.00001; gnomAD 0.00001; gnomAD exomes 0.00001 and 0.00002; TOPMed 0.00001.
gnomAD v4.1: 34 of 1,614,100 alleles (0.0021%); highest among the groups gnomAD compares: Non-Finnish European, 0.0028%; no homozygotes.

Submissions (6):

PreventionGenetics, part of Exact Sciences
Classification: Uncertain significance for CTNNA1-related condition. Last evaluated: 2026-08-17. Review status: criteria provided, single submitter. Criteria: ACMG Guidelines, 2015. Collection method: clinical testing. Allele origin: germline.
Comment: The CTNNA1 c.1469A>T variant is predicted to result in the amino acid substitution p.Gln490Leu. This variant was reported in multiple individuals with unknown cancer status that were referred for multi-gene panel testing (Supp. Table 1, Clark et al. 2020. PubMed ID: 32051609). This variant is reported in 0.0026% of alleles in individuals of European (Non-Finnish) descent in gnomAD. This variant is interpreted as uncertain in ClinVar (Variation ID: 658331). At this time, the clinical significance of this variant is uncertain due to the absence of conclusive functional and genetic evidence.

Labcorp Genetics (formerly Invitae), Labcorp
Classification: Uncertain significance. Last evaluated: 2025-12-09. Review status: criteria provided, single submitter. Criteria: Invitae Variant Classification Sherloc (09022015). Collection method: clinical testing. Allele origin: germline.
Comment: This sequence change replaces glutamine, which is neutral and polar, with leucine, which is neutral and non-polar, at codon 490 of the CTNNA1 protein (p.Gln490Leu). This variant is present in population databases (rs780099178, gnomAD 0.003%). This variant has not been reported in the literature in individuals affected with CTNNA1-related conditions. ClinVar contains an entry for this variant (Variation ID: 658331). Invitae Evidence Modeling of protein sequence and biophysical properties (such as structural, functional, and spatial information, amino acid conservation, physicochemical variation, residue mobility, and thermodynamic stability) indicates that this missense variant is not expected to disrupt CTNNA1 protein function with a negative predictive value of 80%. In summary, the available evidence is currently insufficient to determine the role of this variant in disease. Therefore, it has been classified as a Variant of Uncertain Significance.

Ambry Genetics
Classification: Uncertain significance for Hereditary cancer-predisposing syndrome. Last evaluated: 2024-06-28. Review status: criteria provided, single submitter. Criteria: Ambry Variant Classification Scheme 2023. Collection method: clinical testing. Allele origin: germline.
Comment: The p.Q490L variant (also known as c.1469A>T), located in coding exon 10 of the CTNNA1 gene, results from an A to T substitution at nucleotide position 1469. The glutamine at codon 490 is replaced by leucine, an amino acid with dissimilar properties. This amino acid position is highly conserved in available vertebrate species. In addition, the in silico prediction for this alteration is inconclusive. The evidence for this gene-disease relationship is limited; therefore, the clinical significance of this alteration is unclear.

GeneDx
Classification: Uncertain significance. Last evaluated: 2024-01-26. Review status: criteria provided, single submitter. Criteria: GeneDx Variant Classification Process June 2021. Collection method: clinical testing. Allele origin: germline.
Comment: Not observed at significant frequency in large population cohorts (gnomAD); In silico analysis supports that this missense variant does not alter protein structure/function; Observed in individuals referred for hereditary cancer multi-gene panel testing (PMID: 32051609); This variant is associated with the following publications: (PMID: 32051609)

Baylor Genetics
Classification: Uncertain significance for Patterned macular dystrophy 2. Last evaluated: 2024-01-12. Review status: criteria provided, single submitter. Criteria: ACMG Guidelines, 2015. Collection method: clinical testing. Allele origin: unknown.

Blueprint Genetics
Classification: Uncertain significance. Last evaluated: 2021-10-20. Review status: criteria provided, single submitter. Criteria: ACMG Guidelines, 2015. Collection method: clinical testing. Allele origin: germline.

Literature cited by the submitters: PubMed 32051609 (cited by Ambry Genetics).

NM_001903.5(CTNNA1):c.1469A>T (p.Gln490Leu)

Gene: CTNNA1 (catenin alpha 1; plus strand). Cytogenetic location: 5q31.2.
Variant type: single nucleotide variant.
Coding change: c.1469A>T on transcript NM_001903.5 (MANE Select); coding-DNA position 1469, A replaced by T.
Protein change: p.Gln490Leu; replaces glutamine 490 with leucine.
Molecular consequence: missense variant.
Genome position (GRCh38, 1-based): chr5:138,917,821, A>T. VCF-style: chr5-138917821-A-T. GRCh37 (hg19) VCF-style: chr5-138253510-A-T.
Other names: c.359A>T, p.Gln120Leu (NM_001323997.1, NM_001323998.1, NM_001323999.1 and 17 more transcripts); c.20A>T, p.Gln7Leu (NM_001324006.1, NM_001324007.1, NM_001324008.1 and 2 more transcripts); c.1469A>T (NM_001903.4); c.1469A>T, p.Gln490Leu (NM_001290307.3, NM_001323982.2, NM_001323983.1 and 2 more transcripts); c.1160A>T, p.Gln387Leu (NM_001290309.3); c.1100A>T, p.Gln367Leu (NM_001290310.3); c.1376A>T, p.Gln459Leu (NM_001323986.2); c.266A>T, p.Gln89Leu (NM_001324011.1); and 1 more; short protein forms Q459L, Q7L, Q120L, Q39L, Q490L, Q367L, Q387L, Q89L.
Identifiers: ClinVar variation 658331 (VCV000658331.19), dbSNP rs780099178, ClinGen allele CA3431958.